The following is an entry in ClinVar:

NM_002437.5(MPV17):c.280-1G>T

Gene: MPV17 (mitochondrial inner membrane protein MPV17; minus strand). Cytogenetic location: 2p23.3.
Variant type: single nucleotide variant.
Coding change: c.280-1G>T on transcript NM_002437.5 (MANE Select); the canonical splice acceptor site of the intron before coding-DNA position 280, G replaced by T.
Molecular consequence: splice acceptor variant.
Genome position (GRCh38, 1-based): chr2:27,312,590, C>A on the plus strand (G>T on the coding strand, the complement: MPV17 is on the minus strand). VCF-style: chr2-27312590-C-A. GRCh37 (hg19) VCF-style: chr2-27535457-C-A.
Identifiers: ClinVar variation 3640818 (VCV003640818.2).
Genomic context (GRCh38, chr2:27,312,590, plus strand): 5'-TCCATTAAGTGCCCCTACCAGTGGGAGAAAGCAGCCTAGAAAACACGGGGCAAAGCCCCC[C>A]TAGGGAAGAGAAATTAAAGTCCTATGAGTGCTGAAATCCCCACCTACCCCCAACACAGCT-3'

ClinVar aggregate classification (germline): Likely pathogenic (1 of 4 stars; one submission).

Submission:

Labcorp Genetics (formerly Invitae), Labcorp
Classification: Likely pathogenic. Last evaluated: 2024-02-14. Review status: criteria provided, single submitter. Criteria: Invitae Variant Classification Sherloc (09022015). Collection method: clinical testing. Allele origin: germline.
Comment: This sequence change affects an acceptor splice site in intron 4 of the MPV17 gene. It is expected to disrupt RNA splicing. Variants that disrupt the donor or acceptor splice site typically lead to a loss of protein function (PMID: 16199547), and loss-of-function variants in MPV17 are known to be pathogenic (PMID: 23714749). This variant is not present in population databases (gnomAD no frequency). This variant has not been reported in the literature in individuals affected with MPV17-related conditions. Algorithms developed to predict the effect of sequence changes on RNA splicing suggest that this variant may disrupt the consensus splice site. In summary, the currently available evidence indicates that the variant is pathogenic, but additional data are needed to prove that conclusively. Therefore, this variant has been classified as Likely Pathogenic.

Literature cited by the submitters: PubMed 16199547; PubMed 23714749.